The following is an entry in ClinVar:

ClinVar aggregate classification (germline): Uncertain significance (1 of 4 stars; one submission).

Conditions:
Hereditary nonpolyposis colorectal neoplasms. Identifiers: MedGen C0009405, MeSH D003123.

Submission:

Labcorp Genetics (formerly Invitae), Labcorp
Classification: Uncertain significance for Hereditary nonpolyposis colorectal neoplasms. Last evaluated: 2022-12-31. Review status: criteria provided, single submitter. Criteria: Invitae Variant Classification Sherloc (09022015). Collection method: clinical testing. Allele origin: germline.
Comment: This sequence change replaces alanine, which is neutral and non-polar, with valine, which is neutral and non-polar, at codon 127 of the PMS2 protein (p.Ala127Val). This variant is not present in population databases (gnomAD no frequency). This variant has not been reported in the literature in individuals affected with PMS2-related conditions. Advanced modeling of protein sequence and biophysical properties (such as structural, functional, and spatial information, amino acid conservation, physicochemical variation, residue mobility, and thermodynamic stability) performed at Invitae indicates that this missense variant is not expected to disrupt PMS2 protein function. In summary, the available evidence is currently insufficient to determine the role of this variant in disease. Therefore, it has been classified as a Variant of Uncertain Significance.

NM_000535.7(PMS2):c.380C>T (p.Ala127Val)

Gene: PMS2 (PMS1 homolog 2, mismatch repair system component; minus strand). Cytogenetic location: 7p22.1.
Variant type: single nucleotide variant.
Coding change: c.380C>T on transcript NM_000535.7 (MANE Select); coding-DNA position 380, C replaced by T.
Protein change: p.Ala127Val; replaces alanine 127 with valine.
Molecular consequence: missense variant. On other transcripts: 5 prime UTR variant (29), non-coding transcript variant (1), intron variant (1).
Genome position (GRCh38, 1-based): chr7:6,002,610, G>A on the plus strand (C>T on the coding strand, the complement: PMS2 is on the minus strand). VCF-style: chr7-6002610-G-A. GRCh37 (hg19) VCF-style: chr7-6042241-G-A.
Other names: c.-26C>T (NM_001018040.1, NM_001322003.2, NM_001322004.2 and 25 more transcripts); c.380C>T, p.Ala127Val (NM_001322006.2, NM_001322014.2, NM_001406869.1 and 8 more transcripts); c.62C>T, p.Ala21Val (NM_001322007.2, NM_001322008.2, NM_001406876.1 and 4 more transcripts); c.-505C>T (NM_001322011.2, NM_001322012.2); c.71C>T, p.Ala24Val (NM_001322015.2, NM_001406875.1, NM_001406877.1 and 6 more transcripts); c.566C>T, p.Ala189Val (NM_001406866.1); c.404C>T, p.Ala135Val (NM_001406868.1); c.250+1362C>T (NM_001406885.1); short protein forms A135V, A189V, A24V, A127V, A21V.
Identifiers: ClinVar variation 2984029 (VCV002984029.3), dbSNP rs2128819037, ClinGen allele CA366744462.